The following is an entry in ClinVar:

ClinVar aggregate classification (germline): Uncertain significance (1 of 4 stars; one submission).

Allele frequency attached by ClinVar (database versions not stated): TOPMed below 0.00001; ExAC 0.00001; gnomAD 0.00001.
gnomAD v4.1: 11 of 1,613,688 alleles (0.00068%); highest among the groups gnomAD compares: Non-Finnish European, 0.00093%; no homozygotes.

Submission:

CeGaT Center for Human Genetics Tuebingen
Classification: Uncertain significance. Last evaluated: 2023-05-01. Review status: criteria provided, single submitter. Criteria: CeGaT Center For Human Genetics Tuebingen Variant Classification Criteria Version 2. Collection method: clinical testing. Allele origin: germline. Affected: yes. Observed: 1 variant allele.
Comment: TTN: PP3

NM_001267550.2(TTN):c.27970A>G (p.Ile9324Val)

Gene: TTN (titin; minus strand). Cytogenetic location: 2q31.2.
Variant type: single nucleotide variant.
Coding change: c.27970A>G on transcript NM_001267550.2 (MANE Select); coding-DNA position 27970, A replaced by G.
Protein change: p.Ile9324Val; replaces isoleucine 9324 with valine.
Molecular consequence: missense variant. On other transcripts: intron variant (3).
Genome position (GRCh38, 1-based): chr2:178,711,266, T>C on the plus strand (A>G on the coding strand, the complement: TTN is on the minus strand). VCF-style: chr2-178711266-T-C. GRCh37 (hg19) VCF-style: chr2-179575993-T-C.
Other names: c.27019A>G, p.Ile9007Val (NM_001256850.1); c.24238A>G, p.Ile8080Val (NM_133378.4); c.13282+26816A>G (NM_003319.4); c.13858+26816A>G (NM_133437.4); c.13657+26816A>G (NM_133432.3); short protein forms I8080V, I9007V, I9324V.
Identifiers: ClinVar variation 2651675 (VCV002651675.24), dbSNP rs765190829, ClinGen allele CA1999684.